The following is an entry in ClinVar:

NM_004104.5(FASN):c.694dup (p.Leu232fs)

Gene: FASN (fatty acid synthase; minus strand). Cytogenetic location: 17q25.3.
Variant type: Duplication.
Coding change: c.694dup on transcript NM_004104.5 (MANE Select); coding-DNA position 694, one base duplicated (C; older notation c.694dupC).
Protein change: p.Leu232fs; shifts the reading frame from leucine 232.
Molecular consequence: frameshift variant.
Genome position (GRCh38, 1-based): chr17:82,092,981, G duplicated on the plus strand (C on the coding strand, the reverse complement: FASN is on the minus strand); the first of 2 consecutive G bases (chr17:82,092,981-82,092,982); duplicating either gives the same sequence. VCF-style (leftmost placement, unchanged base first): chr17-82092980-A-AG. GRCh37 (hg19) VCF-style: chr17-80050856-A-AG.
Other names: short protein forms L232fs.
Identifiers: ClinVar variation 936596 (VCV000936596.7), dbSNP rs2034240010, ClinGen allele CA1139665936.

ClinVar aggregate classification (germline): Uncertain significance (1 of 4 stars; one submission).

Conditions:
Epileptic encephalopathy. Identifiers: MedGen C0543888, HP:0200134.

Submission:

Labcorp Genetics (formerly Invitae), Labcorp
Classification: Uncertain significance for Epileptic encephalopathy. Last evaluated: 2021-02-24. Review status: criteria provided, single submitter. Criteria: Invitae Variant Classification Sherloc (09022015). Collection method: clinical testing. Allele origin: germline.
Comment: This variant is not present in population databases (ExAC no frequency). This sequence change creates a premature translational stop signal (p.Leu232Profs*54) in the FASN gene. It is expected to result in an absent or disrupted protein product. This variant has not been reported in the literature in individuals with FASN-related conditions. The current clinical and genetic evidence is not sufficient to establish whether loss-of-function variants in FASN cause disease. In summary, the available evidence is currently insufficient to determine the role of this variant in disease. Therefore, it has been classified as a Variant of Uncertain Significance.